The following is an entry in ClinVar:

ClinVar aggregate classification (germline): Uncertain significance. Review status: criteria provided, multiple submitters, no conflicts (2 of 4 stars). 2 submissions from 2 submitters: Uncertain significance (2). Last evaluated 2025-04-20.

Conditions:
Methylcobalamin deficiency type cblG (HMAG). Also called: HOMOCYSTINURIA-MEGALOBLASTIC ANEMIA, cblG TYPE; Functional methionine synthase deficiency type cblG; HOMOCYSTINURIA-MEGALOBLASTIC ANEMIA, cblG COMPLEMENTATION TYPE; HOMOCYSTINURIA-MEGALOBLASTIC ANEMIA DUE TO DEFECT IN COBALAMIN METABOLISM, cblG COMPLEMENTATION TYPE. Identifiers: Orphanet 2170, Orphanet 622, MedGen C1855128, MONDO:0009609, OMIM 250940.
Inborn genetic diseases. Identifiers: MedGen C0950123, MeSH D030342.

Allele frequency attached by ClinVar (database versions not stated): gnomAD exomes below 0.00001; TOPMed 0.00003; gnomAD 0.00004.
gnomAD v4.1: 12 of 1,613,840 alleles (0.00074%); highest among the groups gnomAD compares: African/African-American, 0.0093%; no homozygotes.

Submissions (2):

Ambry Genetics
Classification: Uncertain significance for Inborn genetic diseases. Last evaluated: 2025-04-20. Review status: criteria provided, single submitter. Criteria: Ambry Variant Classification Scheme 2023. Collection method: clinical testing. Allele origin: germline.

Labcorp Genetics (formerly Invitae), Labcorp
Classification: Uncertain significance for Methylcobalamin deficiency type cblG. Last evaluated: 2021-08-20. Review status: criteria provided, single submitter. Criteria: Invitae Variant Classification Sherloc (09022015). Collection method: clinical testing. Allele origin: germline.
Comment: This sequence change replaces valine with methionine at codon 776 of the MTR protein (p.Val776Met). The valine residue is highly conserved and there is a small physicochemical difference between valine and methionine. This variant is not present in population databases (ExAC no frequency). This variant has not been reported in the literature in individuals affected with MTR-related conditions. Algorithms developed to predict the effect of missense changes on protein structure and function are either unavailable or do not agree on the potential impact of this missense change (SIFT: "Deleterious"; PolyPhen-2: "Possibly Damaging"; Align-GVGD: "Class C0"). In summary, the available evidence is currently insufficient to determine the role of this variant in disease. Therefore, it has been classified as a Variant of Uncertain Significance.

NM_000254.3(MTR):c.2326G>A (p.Val776Met)

Gene: MTR (5-methyltetrahydrofolate-homocysteine methyltransferase; plus strand). Cytogenetic location: 1q43.
Variant type: single nucleotide variant.
Coding change: c.2326G>A on transcript NM_000254.3 (MANE Select); coding-DNA position 2326, G replaced by A.
Protein change: p.Val776Met; replaces valine 776 with methionine.
Molecular consequence: missense variant.
Genome position (GRCh38, 1-based): chr1:236,863,475, G>A. VCF-style: chr1-236863475-G-A. GRCh37 (hg19) VCF-style: chr1-237026775-G-A.
Other names: c.2173G>A, p.Val725Met (NM_001291939.1); c.1105G>A, p.Val369Met (NM_001291940.2); c.2326G>A (NM_000254.2); short protein forms V725M, V369M, V776M.
Identifiers: ClinVar variation 1043299 (VCV001043299.7), dbSNP rs542575330, ClinGen allele CA39753660.